The following is an entry in ClinVar:

NM_001903.5(CTNNA1):c.1426C>T (p.Gln476Ter)

Gene: CTNNA1 (catenin alpha 1; plus strand). Cytogenetic location: 5q31.2.
Variant type: single nucleotide variant.
Coding change: c.1426C>T on transcript NM_001903.5 (MANE Select); coding-DNA position 1426, C replaced by T.
Protein change: p.Gln476Ter; replaces glutamine 476 with a stop codon.
Molecular consequence: nonsense. On other transcripts: 5 prime UTR variant (5).
Genome position (GRCh38, 1-based): chr5:138,917,778, C>T. VCF-style: chr5-138917778-C-T. GRCh37 (hg19) VCF-style: chr5-138253467-C-T.
Other names: c.1426C>T, p.Gln476Ter (NM_001290307.3, NM_001323982.2, NM_001323983.1 and 2 more transcripts); c.1117C>T, p.Gln373Ter (NM_001290309.3); c.1057C>T, p.Gln353Ter (NM_001290310.3); c.316C>T, p.Gln106Ter (NM_001290312.1, NM_001323987.1, NM_001323988.1 and 17 more transcripts); c.1333C>T, p.Gln445Ter (NM_001323986.2); c.-24C>T (NM_001324006.1, NM_001324007.1, NM_001324008.1 and 2 more transcripts); c.223C>T, p.Gln75Ter (NM_001324011.1); c.73C>T, p.Gln25Ter (NM_001324012.1, NM_001324013.1); short protein forms Q106*, Q373*, Q445*, Q25*, Q476*, Q353*, Q75*.
Identifiers: ClinVar variation 2839332 (VCV002839332.4), dbSNP rs2150233956, ClinGen allele CA361137153.

ClinVar aggregate classification (germline): Pathogenic. Review status: criteria provided, multiple submitters, no conflicts (2 of 4 stars). 2 submissions from 2 submitters: Pathogenic (2). Last evaluated 2026-04-30.

Conditions:
Hereditary diffuse gastric adenocarcinoma (HDGC). Also called: DIFFUSE GASTRIC AND LOBULAR BREAST CANCER SYNDROME. Identifiers: Orphanet 26106, MedGen C1708349, MONDO:0007648, OMIM 137215.

Submissions (2):

Myriad Genetics, Inc.
Classification: Pathogenic for Hereditary diffuse gastric adenocarcinoma. Last evaluated: 2026-04-30. Review status: criteria provided, single submitter. Criteria: Myriad Autosomal Dominant, Autosomal Recessive and X-Linked Classification Criteria (2023). Collection method: clinical testing. Allele origin: unknown.
Comment: This variant is considered pathogenic. This variant creates a termination codon and is predicted to result in premature protein truncation.

Labcorp Genetics (formerly Invitae), Labcorp
Classification: Pathogenic. Last evaluated: 2023-05-15. Review status: criteria provided, single submitter. Criteria: Invitae Variant Classification Sherloc (09022015). Collection method: clinical testing. Allele origin: germline.
Comment: For these reasons, this variant has been classified as Pathogenic. This variant has not been reported in the literature in individuals affected with CTNNA1-related conditions. This variant is not present in population databases (gnomAD no frequency). This sequence change creates a premature translational stop signal (p.Gln476*) in the CTNNA1 gene. It is expected to result in an absent or disrupted protein product. Loss-of-function variants in CTNNA1 are known to be pathogenic (PMID: 32051609, 34425242).

Literature cited by the submitters: PubMed 32051609 (cited by Labcorp Genetics (formerly Invitae), Labcorp); PubMed 34425242 (cited by Labcorp Genetics (formerly Invitae), Labcorp).